The following is an entry in ClinVar:

NC_000018.10:g.23586581G>C

Gene: NPC1 (NPC intracellular cholesterol transporter 1; minus strand). Cytogenetic location: 18q11.2.
Variant type: single nucleotide variant.
Genome position: GRCh38 VCF-style: chr18-23586581-G-C. GRCh37 (hg19) VCF-style: chr18-21166545-G-C.
Identifiers: ClinVar variation 326289 (VCV000326289.14), dbSNP rs8099071, ClinGen allele CA10651419.

ClinVar aggregate classification (germline): Benign/Likely benign. Review status: criteria provided, multiple submitters, no conflicts (2 of 4 stars). 3 submissions from 3 submitters: Benign (2); Likely benign (1). Last evaluated 2024-05-07.

Conditions:
Niemann-Pick disease, type C1. Also called: NIEMANN-PICK DISEASE, VARIANT TYPE C1; NEUROVISCERAL STORAGE DISEASE WITH VERTICAL SUPRANUCLEAR OPHTHALMOPLEGIA; NIEMANN-PICK DISEASE WITH CHOLESTEROL ESTERIFICATION BLOCK; NIEMANN-PICK DISEASE WITHOUT SPHINGOMYELINASE DEFICIENCY; NIEMANN-PICK DISEASE, CHRONIC NEURONOPATHIC FORM. Identifiers: Orphanet 646, MedGen C3179455, MONDO:0009757, OMIM 257220.

Allele frequency attached by ClinVar (database versions not stated): 1000 Genomes Project 30x 0.08932; 1000 Genomes Project 0.09065; TOPMed 0.11496; gnomAD 0.11990 and 0.12051; gnomAD exomes 0.15754.

Submissions (3):

Labcorp Genetics (formerly Invitae), Labcorp
Classification: Benign for Niemann-Pick disease, type C1. Last evaluated: 2024-05-07. Review status: criteria provided, single submitter. Criteria: Invitae Variant Classification Sherloc (09022015). Collection method: clinical testing. Allele origin: germline.

GeneDx
Classification: Benign. Last evaluated: 2018-07-05. Review status: criteria provided, single submitter. Criteria: GeneDx Variant Classification Process June 2021. Collection method: clinical testing. Allele origin: germline. Affected: yes.
Comment: This variant is associated with the following publications: (PMID: 32248828)

Breakthrough Genomics
Classification: Likely benign. Review status: criteria provided, single submitter. Criteria: ACMG Guidelines, 2015. Collection method: not provided. Allele origin: germline. Inheritance: Autosomal recessive inheritance. Affected: yes.